The following is an entry in ClinVar:

NM_001374385.1(ATP8B1):c.1375C>T (p.Leu459Phe)

Gene: ATP8B1 (ATPase phospholipid transporting 8B1; minus strand). Cytogenetic location: 18q21.31.
Variant type: single nucleotide variant.
Coding change: c.1375C>T on transcript NM_001374385.1 (MANE Select); coding-DNA position 1375, C replaced by T.
Protein change: p.Leu459Phe; replaces leucine 459 with phenylalanine.
Molecular consequence: missense variant.
Genome position (GRCh38, 1-based): chr18:57,688,353, G>A on the plus strand (C>T on the coding strand, the complement: ATP8B1 is on the minus strand). VCF-style: chr18-57688353-G-A. GRCh37 (hg19) VCF-style: chr18-55355585-G-A.
Other names: c.1225C>T, p.Leu409Phe (NM_001374386.1); c.1375C>T, p.Leu459Phe (NM_005603.6); short protein forms L409F, L459F.
Identifiers: ClinVar variation 4846254 (VCV004846254.1).

ClinVar aggregate classification (germline): Uncertain significance (1 of 4 stars; one submission).

Conditions:
Familial intrahepatic cholestasis. Identifiers: Orphanet 284385, MedGen CN296401, MONDO:0017290.

Submission:

Genomenon, Inc
Classification: Uncertain significance for Familial intrahepatic cholestasis. Last evaluated: 2026-04-14. Review status: criteria provided, single submitter. Criteria: Genomenon Sequence Variant Interpretation Standards - Updated. Collection method: curation. Allele origin: germline. Affected: yes.
Comment: ATP8B1 p.Leu459Phe (c.1375C>T) is a missense variant that changes the amino acid at residue 459 from Leucine to Phenylalanine. This variant has been observed in at least one proband with features of ATP8B1-deficiency (PMID:34985190). It has been observed in trans with a pathogenic or likely pathogenic variant (PMID:34985190). It is absent or not present at a significant frequency in gnomAD. In silico models predict that this variant is possibly or probably damaging. In conclusion, we classify ATP8B1 p.Leu459Phe (c.1375C>T) as a variant of uncertain significance.

Literature cited by the submitters: PubMed 34985190.